The following is an entry in ClinVar:

NM_001080467.3(MYO5B):c.877G>A (p.Asp293Asn)

Gene: MYO5B (myosin VB; minus strand). Cytogenetic location: 18q21.1.
Variant type: single nucleotide variant.
Coding change: c.877G>A on transcript NM_001080467.3 (MANE Select); coding-DNA position 877, G replaced by A.
Protein change: p.Asp293Asn; replaces aspartic acid 293 with asparagine.
Molecular consequence: missense variant.
Genome position (GRCh38, 1-based): chr18:49,984,787, C>T on the plus strand (G>A on the coding strand, the complement: MYO5B is on the minus strand). VCF-style: chr18-49984787-C-T. GRCh37 (hg19) VCF-style: chr18-47511157-C-T.
Other names: short protein forms D293N.
Identifiers: ClinVar variation 5020441 (VCV005020441.1).

ClinVar aggregate classification (germline): Uncertain significance (1 of 4 stars; one submission).

Submission:

Dasa
Classification: Uncertain significance. Last evaluated: 2026-06-02. Review status: criteria provided, single submitter. Criteria: DASA Assertion Criteria. Collection method: clinical testing. Allele origin: germline.
Comment: NM_001080467.3(MYO5B):c.877G>A (p.Asp293Asn) is a missense variant that results in the substitution of aspartic acid with asparagine. This variant is rare in population databases. The currently available literature and clinical evidence are not sufficient to establish a definitive association between this variant and the reported condition. Therefore, this variant is classified as a variant of uncertain significance.